The following is an entry in ClinVar:

NM_000465.4(BARD1):c.-78G>A

Genes: BARD1 (BRCA1 associated RING domain 1; minus strand), LOC129935544 (ATAC-STARR-seq lymphoblastoid silent region 12296; plus strand). Cytogenetic location: 2q35.
Variant type: single nucleotide variant.
Coding change: c.-78G>A on transcript NM_000465.4 (MANE Select); 78 bases upstream of the start codon, G replaced by A.
Molecular consequence: 5 prime UTR variant. On other transcripts: non-coding transcript variant (3).
Genome position (GRCh38, 1-based): chr2:214,809,647, C>T on the plus strand (G>A on the coding strand, the complement: BARD1 is on the minus strand). VCF-style: chr2-214809647-C-T. GRCh37 (hg19) VCF-style: chr2-215674371-C-T.
Other names: c.-78G>A (NM_001282543.2, NM_001282545.2, NM_001282548.2 and 1 more transcripts).
Identifiers: ClinVar variation 334201 (VCV000334201.12), dbSNP rs34732883, ClinGen allele CA10612771.
Genomic context (GRCh38, chr2:214,809,647, plus strand): 5'-AAAGGCTCCTCGCAGAGCGGGAAGCAAGGAAGCCTCGGGAAACCACAGGGAAGCTGCAGG[C>T]CAGCGACTCGAAACCGGCCAAGCTCTTCCCGCGTCTGGGACGGCGGGCCGCCAGAGGGGC-3'

ClinVar aggregate classification (germline): Benign. Review status: criteria provided, multiple submitters, no conflicts (2 of 4 stars). 5 submissions from 5 submitters: Benign (5). Last evaluated 2025-07-10.

Conditions:
Hereditary cancer-predisposing syndrome. Also called: Neoplastic Syndromes, Hereditary; Tumor predisposition; Hereditary neoplastic syndrome; Hereditary Cancer Syndrome. Identifiers: Orphanet 140162, MedGen C0027672, MeSH D009386, MONDO:0015356.
Hereditary breast ovarian cancer syndrome. Also called: Hereditary breast and ovarian cancer syndrome; Hereditary breast and ovarian cancer; Hereditary breast and ovarian cancer syndrome (HBOC); Breast and ovarian cancer; Hereditary breast and/or ovarian cancer syndrome; BRCA1- and BRCA2-Associated Hereditary Breast and Ovarian Cancer. Identifiers: Orphanet 145, MedGen C0677776, MeSH D061325, MONDO:0003582. Disease mechanism: loss of function.
Familial cancer of breast. Also called: BREAST CANCER, FAMILIAL; Hereditary breast cancer; hereditary breast carcinoma. Identifiers: Orphanet 227535, MedGen C0346153, MONDO:0016419, OMIM 114480. Disease mechanism: loss of function.

Allele frequency attached by ClinVar (database versions not stated): gnomAD exomes 0.63208; gnomAD 0.63732 and 0.63846; TOPMed 0.63820; 1000 Genomes Project 30x 0.65272; 1000 Genomes Project 0.65835.
gnomAD v4.1: 949,578 of 1,500,186 alleles (63%); highest among the groups gnomAD compares: East Asian, 78%; 302,142 homozygotes.

Submissions (5):

GeneKor MSA
Classification: Benign for Hereditary cancer-predisposing syndrome. Last evaluated: 2025-07-10. Review status: criteria provided, single submitter. Criteria: ACMG Guidelines, 2015. Collection method: clinical testing. Allele origin: germline.

National Health Laboratory Service, Universitas Academic Hospital and University of the Free State
Classification: Benign for Hereditary breast ovarian cancer syndrome. Last evaluated: 2022-04-19. Review status: criteria provided, single submitter. Criteria: ACMG Guidelines, 2015. Collection method: clinical testing. Allele origin: germline. Affected: yes. Observed: 235 variant alleles.

Illumina Laboratory Services, Illumina
Classification: Benign for Familial cancer of breast. Last evaluated: 2018-01-13. Review status: criteria provided, single submitter. Criteria: ICSL Variant Classification Criteria 13 December 2019. Collection method: clinical testing. Allele origin: germline.
Comment: This variant was observed in the ICSL laboratory as part of a predisposition screen in an ostensibly healthy population. It had not been previously curated by ICSL or reported in the Human Gene Mutation Database (HGMD: prior to June 1st, 2018), and was therefore a candidate for classification through an automated scoring system. Utilizing variant allele frequency, disease prevalence and penetrance estimates, and inheritance mode, an automated score was calculated to assess if this variant is too frequent to cause the disease. Based on the score and internal cut-off values, a variant classified as benign is not then subjected to further curation. The score for this variant resulted in a classification of benign for this disease.

GeneDx
Classification: Benign. Last evaluated: 2015-03-03. Review status: criteria provided, single submitter. Criteria: GeneDx Variant Classification Process June 2021. Collection method: clinical testing. Allele origin: germline. Affected: yes.

Breakthrough Genomics
Classification: Benign. Review status: criteria provided, single submitter. Criteria: ACMG Guidelines, 2015. Collection method: not provided. Allele origin: germline. Inheritance: Autosomal dominant inheritance. Affected: yes.